The following is an entry in ClinVar:

NM_001083614.2(EARS2):c.499T>C (p.Cys167Arg)

Gene: EARS2 (glutamyl-tRNA synthetase 2, mitochondrial; minus strand). Cytogenetic location: 16p12.2.
Variant type: single nucleotide variant.
Coding change: c.499T>C on transcript NM_001083614.2 (MANE Select); coding-DNA position 499, T replaced by C.
Protein change: p.Cys167Arg; replaces cysteine 167 with arginine.
Molecular consequence: missense variant. On other transcripts: non-coding transcript variant (1).
Genome position (GRCh38, 1-based): chr16:23,535,347, A>G on the plus strand (T>C on the coding strand, the complement: EARS2 is on the minus strand). VCF-style: chr16-23535347-A-G. GRCh37 (hg19) VCF-style: chr16-23546668-A-G.
Other names: c.499T>C, p.Cys167Arg (NM_001308211.1); short protein forms C167R.
Identifiers: ClinVar variation 4531599 (VCV004531599.1).
Genomic context (GRCh38, chr16:23,535,347, plus strand): 5'-TCGCAGGCTTGGGGTCCTTGGCCAGCTTCTGGGCCACCTGCTCCTGGCTCATGTTCCTGC[A>G]CCGATTGTCATACCTGATGGGGAGCAGAGCAGCATGAGTACTGTTGATGGAAAGGTTGAT-3'
Protein context (NP_001077083.1, residues 157-177): NHQTPRYDNR[Cys167Arg]RNMSQEQVAQ

ClinVar aggregate classification (germline): Likely pathogenic (1 of 4 stars; one submission).

Conditions:
Leukoencephalopathy-thalamus and brainstem anomalies-high lactate syndrome. Also called: LEUKOENCEPHALOPATHY WITH THALAMUS AND BRAINSTEM INVOLVEMENT AND HIGH LACTATE; Combined oxidative phosphorylation deficiency 12. Identifiers: Orphanet 314051, MedGen C4706421, MONDO:0013971, OMIM 614924.

gnomAD v4.1: 2 of 1,598,974 alleles (0.00013%); highest among the groups gnomAD compares: Non-Finnish European, 0.00017%; no homozygotes.

Submission:

Victorian Clinical Genetics Services, Murdoch Childrens Research Institute
Classification: Likely pathogenic for Leukoencephalopathy-thalamus and brainstem anomalies-high lactate syndrome. Last evaluated: 2025-09-04. Review status: criteria provided, single submitter. Criteria: ACMG Guidelines, 2015. Collection method: clinical testing. Allele origin: germline. Affected: yes.
Comment: This variant is classified as Likely pathogenic. Evidence in support of pathogenic classification: Variant is present in gnomAD <0.01 for a recessive condition (v4: 2 heterozygote(s), 0 homozygote(s)); Another missense variant comparable to the one identified in this case has moderate previous evidence for pathogenicity. An alternative change, p.(Cys167Tyr), has been classified as likely pathogenic or pathogenic by clinical laboratories in ClinVar. It has also been reported in a compound heterozygous state in three individuals, two of whom are related, with EARS2-related features (PMID: 22492562); Missense variant predicted to be damaging by in silico tool(s) or highly conserved with a major amino acid change; Strong phenotype match for this individual. Additional information: Variant is predicted to result in a missense amino acid change from Cys to Arg; This variant is heterozygous; This gene is associated with autosomal recessive disease; Alternative amino acid change(s) at the same position are present in gnomAD (Highest allele count: v4: 69 heterozygote(s), 0 homozygote(s)); This variant has no previous evidence of pathogenicity; No published evidence of segregation with disease has been identified for this variant; No published functional evidence has been identified for this variant; Variant is located in the annotated tRNA synthetases class I (E and Q) catalytic domain; Loss of function is a known mechanism of disease in this gene and is associated with combined oxidative phosphorylation deficiency 12 (MIM#614924).

Literature cited by the submitters: PubMed 22492562.